The following is an entry in ClinVar:

NM_003193.5(TBCE):c.157C>T (p.His53Tyr)

Gene: TBCE (tubulin folding cofactor E; plus strand). Cytogenetic location: 1q42.3.
Variant type: single nucleotide variant.
Coding change: c.157C>T on transcript NM_003193.5 (MANE Select); coding-DNA position 157, C replaced by T.
Protein change: p.His53Tyr; replaces histidine 53 with tyrosine.
Molecular consequence: missense variant. On other transcripts: intron variant (1).
Genome position (GRCh38, 1-based): chr1:235,401,559, C>T. VCF-style: chr1-235401559-C-T. GRCh37 (hg19) VCF-style: chr1-235564874-C-T.
Other names: c.157C>T, p.His53Tyr (NM_001079515.3, NM_001287801.2); c.-210-12874C>T (NM_001287802.2); short protein forms H53Y.
Identifiers: ClinVar variation 2191339 (VCV002191339.2), dbSNP rs2526866270, ClinGen allele CA344982147.

ClinVar aggregate classification (germline): Uncertain significance (1 of 4 stars; one submission).

Submission:

Labcorp Genetics (formerly Invitae), Labcorp
Classification: Uncertain significance. Last evaluated: 2022-10-29. Review status: criteria provided, single submitter. Criteria: Invitae Variant Classification Sherloc (09022015). Collection method: clinical testing. Allele origin: germline.
Comment: In summary, the available evidence is currently insufficient to determine the role of this variant in disease. Therefore, it has been classified as a Variant of Uncertain Significance. Algorithms developed to predict the effect of missense changes on protein structure and function output the following: SIFT: "Tolerated"; PolyPhen-2: "Benign"; Align-GVGD: "Class C0". The tyrosine amino acid residue is found in multiple mammalian species, which suggests that this missense change does not adversely affect protein function. This variant has not been reported in the literature in individuals affected with TBCE-related conditions. This variant is not present in population databases (gnomAD no frequency). This sequence change replaces histidine, which is basic and polar, with tyrosine, which is neutral and polar, at codon 53 of the TBCE protein (p.His53Tyr).